The following is an entry in ClinVar:

ClinVar aggregate classification (germline): Likely benign. Review status: criteria provided, multiple submitters, no conflicts (2 of 4 stars). 3 submissions from 3 submitters: Likely benign (3). Last evaluated 2024-11-18.

Conditions:
RYR1-related disorder. Also called: RYR1-related condition; RYR1-related disorders. Identifiers: MedGen CN239331.
Malignant hyperthermia, susceptibility to, 1 (MHS1). Also called: RYR1-Related Malignant Hyperthermia Susceptibility; Malignant hyperthermia suceptibility 1; Anesthesia related hyperthermia; Malignant hyperpyrexia; Fulminating hyperpyrexia; Pharmacogenic myopathy. Identifiers: Orphanet 423, MedGen C2930980, MONDO:0007783, OMIM 145600.

Allele frequency attached by ClinVar (database versions not stated): gnomAD exomes below 0.00001; gnomAD 0.00002; TOPMed 0.00002.
gnomAD v4.1: 6 of 1,613,946 alleles (0.00037%); highest among the groups gnomAD compares: Admixed American, 0.005%; no homozygotes.

Submissions (3):

Labcorp Genetics (formerly Invitae), Labcorp
Classification: Likely benign for RYR1-related disorder. Last evaluated: 2024-11-18. Review status: criteria provided, single submitter. Criteria: Invitae Variant Classification Sherloc (09022015). Collection method: clinical testing. Allele origin: germline.

All of Us Research Program, National Institutes of Health
Classification: Likely benign for Malignant hyperthermia, susceptibility to, 1. Last evaluated: 2024-02-05. Review status: criteria provided, single submitter. Criteria: ACMG Guidelines, 2015. Collection method: clinical testing. Allele origin: germline. Inheritance: Autosomal dominant inheritance. Observed: 5 variant alleles, 5 heterozygotes.
Comment: This study involves interpretation of variants in research participants for the purpose of population health screening. Participant phenotype was not available at the time of variant classification. Additional details can be found in publication PMID: 35346344, PMCID: PMC8962531

Color Diagnostics, LLC DBA Color Health
Classification: Likely benign for Malignant hyperthermia, susceptibility to, 1. Last evaluated: 2023-01-12. Review status: criteria provided, single submitter. Criteria: ACMG Guidelines, 2015. Collection method: clinical testing. Allele origin: germline.

NM_000540.3(RYR1):c.14869-9C>T

Gene: RYR1 (ryanodine receptor 1; plus strand). Cytogenetic location: 19q13.2.
Variant type: single nucleotide variant.
Coding change: c.14869-9C>T on transcript NM_000540.3 (MANE Select); 9 bases into the intron before coding-DNA position 14869, C replaced by T.
Molecular consequence: intron variant.
Genome position (GRCh38, 1-based): chr19:38,586,082, C>T. VCF-style: chr19-38586082-C-T. GRCh37 (hg19) VCF-style: chr19-39076722-C-T.
Other names: c.14854-9C>T (NM_001042723.2).
Identifiers: ClinVar variation 1110797 (VCV001110797.11), dbSNP rs910614647, ClinGen allele CA308126578.